The following is an entry in ClinVar:

ClinVar aggregate classification (germline): Conflicting classifications of pathogenicity. Review status: criteria provided, conflicting classifications (1 of 4 stars). 4 submissions from 4 submitters: Uncertain significance (2); Likely benign (2). Last evaluated 2025-11-07.

Conditions:
Developmental delay with autism spectrum disorder and gait instability (MRT38). Also called: Intellectual developmental disorder, autosomal recessive 38. Identifiers: Orphanet 329195, MedGen C3809753, MONDO:0014224, OMIM 615516.
HERC2-related disorder. Also called: HERC2-related condition.

Allele frequency attached by ClinVar (database versions not stated): gnomAD exomes 0.00005 and 0.00025; gnomAD 0.00012 and 0.00014; 1000 Genomes Project 30x 0.00016; ExAC 0.00025; TOPMed 0.00030.
gnomAD v4.1: 175 of 1,613,974 alleles (0.011%); highest among the groups gnomAD compares: East Asian, 0.19%; 3 homozygotes.

Submissions (4):

PreventionGenetics, part of Exact Sciences
Classification: Likely benign for HERC2-related condition. Last evaluated: 2025-11-07. Review status: criteria provided, single submitter. Criteria: ACMG Guidelines, 2015. Collection method: clinical testing. Allele origin: germline.
Comment: This variant is classified as likely benign based on ACMG/AMP sequence variant interpretation guidelines (Richards et al. 2015 PMID: 25741868, with internal and published modifications).

Revvity Omics, Revvity
Classification: Uncertain significance. Last evaluated: 2021-06-09. Review status: criteria provided, single submitter. Criteria: ACMG Guidelines, 2015. Collection method: clinical testing. Allele origin: germline.

Labcorp Genetics (formerly Invitae), Labcorp
Classification: Likely benign. Last evaluated: 2019-12-31. Review status: criteria provided, single submitter. Criteria: Invitae Variant Classification Sherloc (09022015). Collection method: clinical testing. Allele origin: germline.

Baylor Genetics
Classification: Uncertain significance for Developmental delay with autism spectrum disorder and gait instability. Last evaluated: 2019-02-20. Review status: criteria provided, single submitter. Criteria: ACMG Guidelines, 2015. Collection method: clinical testing. Allele origin: unknown. Affected: yes.
Comment: This variant was determined to be of uncertain significance according to ACMG Guidelines, 2015 [PMID:25741868].

NM_004667.6(HERC2):c.8329A>G (p.Met2777Val)

Gene: HERC2 (HECT and RLD domain containing E3 ubiquitin protein ligase 2; minus strand). Cytogenetic location: 15q13.1.
Variant type: single nucleotide variant.
Coding change: c.8329A>G on transcript NM_004667.6 (MANE Select); coding-DNA position 8329, A replaced by G.
Protein change: p.Met2777Val; replaces methionine 2777 with valine.
Molecular consequence: missense variant.
Genome position (GRCh38, 1-based): chr15:28,192,083, T>C on the plus strand (A>G on the coding strand, the complement: HERC2 is on the minus strand). VCF-style: chr15-28192083-T-C. GRCh37 (hg19) VCF-style: chr15-28437229-T-C.
Other names: short protein forms M2777V.
Identifiers: ClinVar variation 782884 (VCV000782884.11), dbSNP rs184647895, ClinGen allele CA7441505.